The following is an entry in ClinVar:

NM_182476.3(COQ6):c.859del (p.Glu287fs)

Genes: COQ6 (coenzyme Q6, monooxygenase; plus strand), ENTPD5 (ectonucleoside triphosphate diphosphohydrolase 5; minus strand). Cytogenetic location: 14q24.3.
Variant type: Deletion.
Coding change: c.859del on transcript NM_182476.3 (MANE Select); coding-DNA position 859, one base deleted (G; older notation c.859delG).
Protein change: p.Glu287fs; shifts the reading frame from glutamic acid 287.
Molecular consequence: frameshift variant. On other transcripts: 3 prime UTR variant (3), intron variant (4).
Genome position (GRCh38, 1-based): chr14:73,959,490, G deleted; the last of 2 consecutive G bases (chr14:73,959,489-73,959,490); deleting either gives the same sequence. VCF-style (leftmost placement, unchanged base first): chr14-73959488-AG-A. GRCh37 (hg19) VCF-style: chr14-74426191-AG-A.
Other names: c.859del, p.Glu287fs (NM_001425255.1); c.694del, p.Glu232fs (NM_001425257.1); c.634del, p.Glu212fs (NM_001425259.1, NM_001425260.1, NM_001425261.1); c.604del, p.Glu202fs (NM_001425262.1); c.532del, p.Glu178fs (NM_001425263.1); c.319del, p.Glu107fs (NM_001425264.1, NM_001425265.1); c.784del, p.Glu262fs (NM_182480.3); c.*41del (NM_001330189.2, NM_001382259.1, NM_001382260.1); and 4 more; short protein forms E287fs, E262fs, E107fs, E178fs, E202fs, E212fs, E232fs.
Identifiers: ClinVar variation 1998964 (VCV001998964.4), dbSNP rs2503076688, ClinGen allele CA2580088710.

ClinVar aggregate classification (germline): Pathogenic (1 of 4 stars; one submission).

Submission:

Labcorp Genetics (formerly Invitae), Labcorp
Classification: Pathogenic. Last evaluated: 2023-10-18. Review status: criteria provided, single submitter. Criteria: Invitae Variant Classification Sherloc (09022015). Collection method: clinical testing. Allele origin: germline.
Comment: This sequence change creates a premature translational stop signal (p.Glu287Lysfs*35) in the COQ6 gene. It is expected to result in an absent or disrupted protein product. Loss-of-function variants in COQ6 are known to be pathogenic (PMID: 21540551, 24140869). This variant is not present in population databases (gnomAD no frequency). This variant has not been reported in the literature in individuals affected with COQ6-related conditions. ClinVar contains an entry for this variant (Variation ID: 1998964). Algorithms developed to predict the effect of sequence changes on RNA splicing suggest that this variant may disrupt the consensus splice site. For these reasons, this variant has been classified as Pathogenic.

Literature cited by the submitters: PubMed 21540551; PubMed 24140869.